The following is an entry in ClinVar:

ClinVar aggregate classification (germline): Uncertain significance. Review status: criteria provided, multiple submitters, no conflicts (2 of 4 stars). 4 submissions from 4 submitters: Uncertain significance (4). Last evaluated 2026-07-14.

Conditions:
Inborn genetic diseases. Identifiers: MedGen C0950123, MeSH D030342.
Nephronophthisis 15 (NPHP15). Identifiers: Orphanet 3156, MedGen C3541853, MONDO:0013917, OMIM 614845.
CEP164-related disorder. Also called: CEP164-related condition.

Allele frequency attached by ClinVar (database versions not stated): 1000 Genomes Project 30x 0.00016; gnomAD 0.00001 and 0.00003; TOPMed 0.00003; ExAC 0.00009; gnomAD exomes 0.00003 and 0.00005; 1000 Genomes Project 0.00020.
gnomAD v4.1: 47 of 1,610,144 alleles (0.0029%); highest among the groups gnomAD compares: South Asian, 0.033%; no homozygotes.

Submissions (4):

Ambry Genetics
Classification: Uncertain significance for Inborn genetic diseases. Last evaluated: 2026-07-14. Review status: criteria provided, single submitter. Criteria: Ambry Variant Classification Scheme 2023. Collection method: clinical testing. Allele origin: germline.

PreventionGenetics, part of Exact Sciences
Classification: Uncertain significance for CEP164-related condition. Last evaluated: 2025-03-05. Review status: criteria provided, single submitter. Criteria: ACMG Guidelines, 2015. Collection method: clinical testing. Allele origin: germline.
Comment: The CEP164 c.1439G>A variant is predicted to result in the amino acid substitution p.Arg480Gln. To our knowledge, this variant has not been reported in the literature. This variant is reported in 0.027% of alleles in individuals of South Asian descent in gnomAD. At this time, the clinical significance of this variant is uncertain due to the absence of conclusive functional and genetic evidence.

Labcorp Genetics (formerly Invitae), Labcorp
Classification: Uncertain significance for Nephronophthisis 15. Last evaluated: 2024-10-15. Review status: criteria provided, single submitter. Criteria: Invitae Variant Classification Sherloc (09022015). Collection method: clinical testing. Allele origin: germline.
Comment: This sequence change replaces arginine, which is basic and polar, with glutamine, which is neutral and polar, at codon 480 of the CEP164 protein (p.Arg480Gln). This variant is present in population databases (rs573209223, gnomAD 0.03%). This variant has not been reported in the literature in individuals affected with CEP164-related conditions. ClinVar contains an entry for this variant (Variation ID: 964646). An algorithm developed to predict the effect of missense changes on protein structure and function outputs the following: PolyPhen-2: "Benign". The glutamine amino acid residue is found in multiple mammalian species, which suggests that this missense change does not adversely affect protein function. In summary, the available evidence is currently insufficient to determine the role of this variant in disease. Therefore, it has been classified as a Variant of Uncertain Significance.

Fulgent Genetics
Classification: Uncertain significance for Nephronophthisis 15. Last evaluated: 2022-03-28. Review status: criteria provided, single submitter. Criteria: ACMG Guidelines, 2015. Collection method: clinical testing. Allele origin: unknown.

NM_014956.5(CEP164):c.1439G>A (p.Arg480Gln)

Gene: CEP164 (centrosomal protein 164; plus strand). Cytogenetic location: 11q23.3.
Variant type: single nucleotide variant.
Coding change: c.1439G>A on transcript NM_014956.5 (MANE Select); coding-DNA position 1439, G replaced by A.
Protein change: p.Arg480Gln; replaces arginine 480 with glutamine.
Molecular consequence: missense variant.
Genome position (GRCh38, 1-based): chr11:117,381,730, G>A. VCF-style: chr11-117381730-G-A. GRCh37 (hg19) VCF-style: chr11-117252446-G-A.
Other names: c.1448G>A, p.Arg483Gln (NM_001271933.2); short protein forms R480Q, R483Q.
Identifiers: ClinVar variation 964646 (VCV000964646.11), dbSNP rs573209223, ClinGen allele CA6294760.